The following is an entry in ClinVar:

NM_001042492.3(NF1):c.6834C>A (p.Cys2278Ter)

Gene: NF1 (neurofibromin 1; plus strand). Cytogenetic location: 17q11.2.
Variant type: single nucleotide variant.
Coding change: c.6834C>A on transcript NM_001042492.3 (MANE Select); coding-DNA position 6834, C replaced by A.
Protein change: p.Cys2278Ter; replaces cysteine 2278 with a stop codon.
Molecular consequence: nonsense.
Genome position (GRCh38, 1-based): chr17:31,338,718, C>A. VCF-style: chr17-31338718-C-A. GRCh37 (hg19) VCF-style: chr17-29665736-C-A.
Other names: c.6771C>A, p.Cys2257Ter (NM_000267.4); short protein forms C2278*, C2257*.
Identifiers: ClinVar variation 3879044 (VCV003879044.1).

ClinVar aggregate classification (germline): Pathogenic (1 of 4 stars; one submission).

Conditions:
Cardiovascular phenotype. Identifiers: MedGen CN230736.
Hereditary cancer-predisposing syndrome. Also called: Tumor predisposition; Neoplastic Syndromes, Hereditary; Hereditary Cancer Syndrome; Hereditary neoplastic syndrome. Identifiers: Orphanet 140162, MedGen C0027672, MeSH D009386, MONDO:0015356.

Submission:

Ambry Genetics
Classification: Pathogenic for Cardiovascular phenotype; Hereditary cancer-predisposing syndrome. Last evaluated: 2025-01-19. Review status: criteria provided, single submitter. Criteria: Ambry Variant Classification Scheme 2023. Collection method: clinical testing. Allele origin: germline.
Comment: The p.C2257* pathogenic mutation (also known as c.6771C>A), located in coding exon 45 of the NF1 gene, results from a C to A substitution at nucleotide position 6771. This changes the amino acid from a cysteine to a stop codon within coding exon 45. This variant is considered to be rare based on population cohorts in the Genome Aggregation Database (gnomAD). This alteration is expected to result in loss of function by premature protein truncation or nonsense-mediated mRNA decay. As such, this alteration is interpreted as a disease-causing mutation.